The following is an entry in ClinVar:

NM_001371623.1(TCOF1):c.2673del (p.Lys892fs)

Gene: TCOF1 (treacle ribosome biogenesis factor 1; plus strand). Cytogenetic location: 5q32.
Variant type: Deletion.
Coding change: c.2673del on transcript NM_001371623.1 (MANE Select); coding-DNA position 2673, one base deleted (G; older notation c.2673delG).
Protein change: p.Lys892fs; shifts the reading frame from lysine 892.
Molecular consequence: frameshift variant.
Genome position (GRCh38, 1-based): chr5:150,379,546, G deleted; the last of 3 consecutive G bases (chr5:150,379,544-150,379,546); deleting any one gives the same sequence. VCF-style (leftmost placement, unchanged base first): chr5-150379543-AG-A. GRCh37 (hg19) VCF-style: chr5-149759106-AG-A.
Other names: c.2442del, p.Lys815fs (NM_000356.4, NM_001135245.2); c.2673del, p.Lys892fs (NM_001008657.3, NM_001135243.2, NM_001135244.2 and 1 more transcripts); short protein forms K815fs, K892fs.
Identifiers: ClinVar variation 3764729 (VCV003764729.2).

ClinVar aggregate classification (germline): Pathogenic (1 of 4 stars; one submission).

Conditions:
Treacher Collins syndrome 1 (TCS1). Also called: TCOF1-Related Treacher Collins Syndrome. Identifiers: Orphanet 861, MedGen CN315775, MONDO:0007944, OMIM 154500.

Submission:

Juno Genomics, Hangzhou Juno Genomics, Inc
Classification: Pathogenic for Treacher Collins syndrome 1. Review status: criteria provided, single submitter. Criteria: ACMG Guidelines, 2015. Collection method: clinical testing. Allele origin: germline. Affected: yes.
Comment: Absent from controls (or at extremely low frequency if recessive) in Genome Aggregation Database, Exome Sequencing Project, 1000 Genomes Project, or Exome Aggregation Consortium.;De novo (both maternity and paternity confirmed) in a patient with the disease and no family history.;Null variant in a gene where loss of function (LOF) is a known mechanism of disease.